The following is an entry in ClinVar:

ClinVar aggregate classification (germline): Uncertain significance. Review status: criteria provided, multiple submitters, no conflicts (2 of 4 stars). 2 submissions from 2 submitters: Uncertain significance (2). Last evaluated 2026-01-05.

Conditions:
Familial adenomatous polyposis 1 (FAP1). Also called: POLYPOSIS, ADENOMATOUS INTESTINAL; FAMILIAL ADENOMATOUS POLYPOSIS 1, ATTENUATED. Identifiers: MedGen C2713442, MONDO:0021056, OMIM 175100. Disease mechanism: loss of function.
Hereditary cancer-predisposing syndrome. Also called: Neoplastic Syndromes, Hereditary; Tumor predisposition; Hereditary Cancer Syndrome; Hereditary neoplastic syndrome. Identifiers: Orphanet 140162, MedGen C0027672, MeSH D009386, MONDO:0015356.

Submissions (2):

Labcorp Genetics (formerly Invitae), Labcorp
Classification: Uncertain significance for Familial adenomatous polyposis 1. Last evaluated: 2026-01-05. Review status: criteria provided, single submitter. Criteria: Invitae Variant Classification Sherloc (09022015). Collection method: clinical testing. Allele origin: germline.
Comment: This sequence change replaces arginine, which is basic and polar, with isoleucine, which is neutral and non-polar, at codon 2780 of the APC protein (p.Arg2780Ile). This variant is not present in population databases (gnomAD no frequency). This variant has not been reported in the literature in individuals affected with APC-related conditions. Invitae Evidence Modeling of protein sequence and biophysical properties (such as structural, functional, and spatial information, amino acid conservation, physicochemical variation, residue mobility, and thermodynamic stability) indicates that this missense variant is not expected to disrupt APC protein function with a negative predictive value of 95%. In summary, the available evidence is currently insufficient to determine the role of this variant in disease. Therefore, it has been classified as a Variant of Uncertain Significance.

Ambry Genetics
Classification: Uncertain significance for Hereditary cancer-predisposing syndrome. Last evaluated: 2025-10-09. Review status: criteria provided, single submitter. Criteria: Ambry Variant Classification Scheme 2023. Collection method: clinical testing. Allele origin: germline.
Comment: The p.R2780I variant (also known as c.8339G>T), located in coding exon 15 of the APC gene, results from a G to T substitution at nucleotide position 8339. The arginine at codon 2780 is replaced by isoleucine, an amino acid with similar properties. This amino acid position is conserved. In addition, in silico predictors for this gene do not accurately predict pathogenicity. Based on the available evidence, the clinical significance of this variant remains unclear.

NM_000038.6(APC):c.8339G>T (p.Arg2780Ile)

Gene: APC (APC regulator of Wnt signaling pathway; plus strand). Cytogenetic location: 5q22.2.
Variant type: single nucleotide variant.
Coding change: c.8339G>T on transcript NM_000038.6 (MANE Select); coding-DNA position 8339, G replaced by T.
Protein change: p.Arg2780Ile; replaces arginine 2780 with isoleucine.
Molecular consequence: missense variant. On other transcripts: non-coding transcript variant (2).
Genome position (GRCh38, 1-based): chr5:112,843,933, G>T. VCF-style: chr5-112843933-G-T. GRCh37 (hg19) VCF-style: chr5-112179630-G-T.
Other names: c.8318G>T, p.Arg2773Ile (NM_001407451.1); c.8309G>T, p.Arg2770Ile (NM_001407452.1); c.8162G>T, p.Arg2721Ile (NM_001407453.1, NM_001354901.2); c.8090G>T, p.Arg2697Ile (NM_001407454.1, NM_001407455.1, NM_001407456.1 and 1 more transcripts); c.8036G>T, p.Arg2679Ile (NM_001407458.1, NM_001407459.1, NM_001407460.1 and 1 more transcripts); c.7952G>T, p.Arg2651Ile (NM_001407467.1, NM_001407469.1); c.7490G>T, p.Arg2497Ile (NM_001407470.1, NM_001354906.2); c.7187G>T, p.Arg2396Ile (NM_001407471.1, NM_001407472.1); and 11 more; short protein forms R2620I, R2721I, R2739I, R2773I, R2780I, R2808I, R2396I, R2651I.
Identifiers: ClinVar variation 4581809 (VCV004581809.2).
Genomic context (GRCh38, chr5:112,843,933, plus strand): 5'-CCCCATTCAGTTCTAGCAGCTCAAGCAAACACAGTTCACCTAGTGGGACTGTTGCTGCCA[G>T]AGTGACTCCTTTTAATTACAACCCAAGCCCTAGGAAAAGCAGCGCAGATAGCACTTCAGC-3'
Protein context (NP_000029.2, residues 2770-2790): HSSPSGTVAA[Arg2780Ile]VTPFNYNPSP